The following is an entry in ClinVar:

ClinVar aggregate classification (germline): Benign/Likely benign. Review status: criteria provided, multiple submitters, no conflicts (2 of 4 stars). 10 submissions from 10 submitters: Benign (4); Likely benign (4). 2 of the submissions do not count toward it. Last evaluated 2026-07-01.

Conditions:
Polycystic liver disease 1 (PCLD1). Also called: Polycystic liver disease 1 with or without kidney cysts. Identifiers: Orphanet 2924, MedGen C0887850, MONDO:0008265, OMIM 174050.

Allele frequency attached by ClinVar (database versions not stated): 1000 Genomes Project 30x 0.00250; 1000 Genomes Project 0.00260; gnomAD exomes 0.00573; TOPMed 0.00584; gnomAD 0.00588 and 0.00604; ExAC 0.00607; ESP Exome Variant Server 0.00853.
gnomAD v4.1: 14,406 of 1,612,404 alleles (0.89%); highest among the groups gnomAD compares: Non-Finnish European, 1.1%; 86 homozygotes.

Submissions (10):

CeGaT Center for Human Genetics Tuebingen
Classification: Benign. Last evaluated: 2026-07-01. Review status: criteria provided, single submitter. Criteria: CeGaT Center For Human Genetics Tuebingen Variant Classification Criteria Version 2. Collection method: clinical testing. Allele origin: germline. Affected: yes. Observed: 3 variant alleles.
Comment: PRKCSH: BP4, BS1, BS2

Labcorp Genetics (formerly Invitae), Labcorp
Classification: Benign. Last evaluated: 2026-01-22. Review status: criteria provided, single submitter. Criteria: Invitae Variant Classification Sherloc (09022015). Collection method: clinical testing. Allele origin: germline.

Blueprint Genetics
Classification: Likely benign. Last evaluated: 2024-11-26. Review status: criteria provided, single submitter. Criteria: ACMG Guidelines, 2015. Collection method: clinical testing. Allele origin: germline.

Mayo Clinic Laboratories, Mayo Clinic
Classification: Benign. Last evaluated: 2024-06-13. Review status: criteria provided, single submitter. Criteria: ACMG Guidelines, 2015. Collection method: clinical testing. Allele origin: germline. Observed: 3 variant alleles.
Comment: BS1, BS2, BP4, BP7

Fulgent Genetics
Classification: Likely benign for Polycystic liver disease 1. Last evaluated: 2021-07-23. Review status: criteria provided, single submitter. Criteria: ACMG Guidelines, 2015. Collection method: clinical testing. Allele origin: unknown.

GeneDx
Classification: Likely benign. Last evaluated: 2020-11-03. Review status: criteria provided, single submitter. Criteria: GeneDx Variant Classification Process June 2021. Collection method: clinical testing. Allele origin: germline. Affected: yes.

Illumina Laboratory Services, Illumina
Classification: Benign for Polycystic liver disease 1. Last evaluated: 2018-01-13. Review status: criteria provided, single submitter. Criteria: ICSL Variant Classification Criteria 13 December 2019. Collection method: clinical testing. Allele origin: germline.
Comment: This variant was observed in the ICSL laboratory as part of a predisposition screen in an ostensibly healthy population. It had not been previously curated by ICSL or reported in the Human Gene Mutation Database (HGMD: prior to June 1st, 2018), and was therefore a candidate for classification through an automated scoring system. Utilizing variant allele frequency, disease prevalence and penetrance estimates, and inheritance mode, an automated score was calculated to assess if this variant is too frequent to cause the disease. Based on the score and internal cut-off values, a variant classified as benign is not then subjected to further curation. The score for this variant resulted in a classification of benign for this disease.

Breakthrough Genomics
Classification: Likely benign. Review status: criteria provided, single submitter. Criteria: ACMG Guidelines, 2015. Collection method: not provided. Allele origin: germline. Inheritance: Autosomal dominant inheritance. Affected: yes.

Joint Genome Diagnostic Labs from Nijmegen and Maastricht, Radboudumc and MUMC+
Classification: Benign. Review status: no assertion criteria provided. Collection method: clinical testing. Allele origin: germline. Affected: yes. Study: VKGL Data-share Consensus. Not counted in ClinVar's aggregate classification.

Laboratory of Diagnostic Genome Analysis, Leiden University Medical Center (LUMC)
Classification: Likely benign. Review status: no assertion criteria provided. Collection method: clinical testing. Allele origin: germline. Affected: yes. Study: VKGL Data-share Consensus. Not counted in ClinVar's aggregate classification.

NM_001289104.2(PRKCSH):c.351-5C>T

Gene: PRKCSH (PRKCSH beta subunit of glucosidase II; plus strand). Cytogenetic location: 19p13.2.
Variant type: single nucleotide variant.
Coding change: c.351-5C>T on transcript NM_001289104.2 (MANE Select); 5 bases into the intron before coding-DNA position 351, C replaced by T.
Molecular consequence: intron variant.
Genome position (GRCh38, 1-based): chr19:11,441,235, C>T. VCF-style: chr19-11441235-C-T. GRCh37 (hg19) VCF-style: chr19-11552050-C-T.
Other names: p.?; c.351-5C>T (NM_001289103.2, NM_001379609.1, NM_001379608.1 and 3 more transcripts).
Identifiers: ClinVar variation 328171 (VCV000328171.35), dbSNP rs76485217, ClinGen allele CA9212821.
Genomic context (GRCh38, chr19:11,441,235, plus strand): 5'-GAAGAGGCAGACCTGGTGGATCCTAAGTGCCCCACTGGTGGTGCCTGTGTGTCTCCGCAC[C>T]GCAGAGAGAAGGGCCGTAAGGAGAGAGAGTCCCTGCAGCAGATGGCCGAGGTCACCCGCG-3'